The following is an entry in ClinVar:

NM_000051.4(ATM):c.6877C>A (p.Leu2293Met)

Genes: ATM (ATM serine/threonine kinase; plus strand), C11orf65 (chromosome 11 open reading frame 65; minus strand). Cytogenetic location: 11q22.3.
Variant type: single nucleotide variant.
Coding change: c.6877C>A on transcript NM_000051.4 (MANE Select); coding-DNA position 6877, C replaced by A.
Protein change: p.Leu2293Met; replaces leucine 2293 with methionine.
Molecular consequence: missense variant. On other transcripts: intron variant (2).
Genome position (GRCh38, 1-based): chr11:108,326,127, C>A. VCF-style: chr11-108326127-C-A. GRCh37 (hg19) VCF-style: chr11-108196854-C-A.
Other names: c.6877C>A, p.Leu2293Met (NM_001351834.2); c.641-17056G>T (NM_001330368.2); c.*38+9093G>T (NM_001351110.2); short protein forms L2293M.
Identifiers: ClinVar variation 2084281 (VCV002084281.4), dbSNP rs755170556, ClinGen allele CA382556803.

ClinVar aggregate classification (germline): Uncertain significance (1 of 4 stars; one submission).

Conditions:
Ataxia-telangiectasia syndrome (AT). Also called: ATAXIA-TELANGIECTASIA, COMPLEMENTATION GROUP A; ATAXIA-TELANGIECTASIA, FRESNO VARIANT; Ataxia-telangiectasia; Ataxia-telangiectasia, complementation group E; LOUIS-BAR SYNDROME; Cerebello-oculocutaneous telangiectasia. Identifiers: Orphanet 100, MedGen C0004135, MONDO:0008840, OMIM 208900.

Submission:

Labcorp Genetics (formerly Invitae), Labcorp
Classification: Uncertain significance for Ataxia-telangiectasia syndrome. Last evaluated: 2022-01-15. Review status: criteria provided, single submitter. Criteria: Invitae Variant Classification Sherloc (09022015). Collection method: clinical testing. Allele origin: germline.
Comment: This variant is not present in population databases (gnomAD no frequency). This variant has not been reported in the literature in individuals affected with ATM-related conditions. Advanced modeling of protein sequence and biophysical properties (such as structural, functional, and spatial information, amino acid conservation, physicochemical variation, residue mobility, and thermodynamic stability) performed at Invitae indicates that this missense variant is not expected to disrupt ATM protein function. In summary, the available evidence is currently insufficient to determine the role of this variant in disease. Therefore, it has been classified as a Variant of Uncertain Significance. This sequence change replaces leucine, which is neutral and non-polar, with methionine, which is neutral and non-polar, at codon 2293 of the ATM protein (p.Leu2293Met).